The following is an entry in ClinVar:

ClinVar aggregate classification (germline): Conflicting classifications of pathogenicity. Review status: criteria provided, conflicting classifications (1 of 4 stars). 2 submissions from 2 submitters: Uncertain significance (1); Likely benign (1). Last evaluated 2025-08-09.

Conditions:
NUP160-related disorder. Also called: NUP160-related condition.

Allele frequency attached by ClinVar (database versions not stated): 1000 Genomes Project 0.00160; gnomAD exomes 0.00005; TOPMed 0.00105; ExAC 0.00031; gnomAD 0.00076; ESP Exome Variant Server 0.00092; 1000 Genomes Project 30x 0.00156.
gnomAD v4.1: 193 of 1,611,886 alleles (0.012%); highest among the groups gnomAD compares: African/African-American, 0.23%; 1 homozygote.

Submissions (2):

Labcorp Genetics (formerly Invitae), Labcorp
Classification: Likely benign. Last evaluated: 2025-08-09. Review status: criteria provided, single submitter. Criteria: Invitae Variant Classification Sherloc (09022015). Collection method: clinical testing. Allele origin: germline.

PreventionGenetics, part of Exact Sciences
Classification: Uncertain significance for NUP160-related condition. Last evaluated: 2022-10-24. Review status: criteria provided, single submitter. Criteria: ACMG Guidelines, 2015. Collection method: clinical testing. Allele origin: germline.
Comment: The NUP160 c.842C>T variant is predicted to result in the amino acid substitution p.Pro281Leu. To our knowledge, this variant has not been reported in the literature. This variant is reported in 0.33% of alleles in individuals of African descent in gnomAD. Although we suspect that this variant may be benign, at this time, the clinical significance of this variant is uncertain due to the absence of conclusive functional and genetic evidence.

NM_015231.3(NUP160):c.740C>T (p.Pro247Leu)

Gene: NUP160 (nucleoporin 160; minus strand). Cytogenetic location: 11p11.2.
Variant type: single nucleotide variant.
Coding change: c.740C>T on transcript NM_015231.3 (MANE Select); coding-DNA position 740, C replaced by T.
Protein change: p.Pro247Leu; replaces proline 247 with leucine.
Molecular consequence: missense variant. On other transcripts: non-coding transcript variant (1).
Genome position (GRCh38, 1-based): chr11:47,836,987, G>A on the plus strand (C>T on the coding strand, the complement: NUP160 is on the minus strand). VCF-style: chr11-47836987-G-A. GRCh37 (hg19) VCF-style: chr11-47858539-G-A.
Other names: short protein forms P247L.
Identifiers: ClinVar variation 2634130 (VCV002634130.4), dbSNP rs148589426, ClinGen allele CA5981524.